The following is an entry in ClinVar:

NM_020821.3(VPS13C):c.4480A>G (p.Ile1494Val)

Gene: VPS13C (vacuolar protein sorting 13 homolog C; minus strand). Cytogenetic location: 15q22.2.
Variant type: single nucleotide variant.
Coding change: c.4480A>G on transcript NM_020821.3 (MANE Select); coding-DNA position 4480, A replaced by G.
Protein change: p.Ile1494Val; replaces isoleucine 1494 with valine.
Molecular consequence: missense variant.
Genome position (GRCh38, 1-based): chr15:61,951,001, T>C on the plus strand (A>G on the coding strand, the complement: VPS13C is on the minus strand). VCF-style: chr15-61951001-T-C. GRCh37 (hg19) VCF-style: chr15-62243200-T-C.
Other names: c.4480A>G, p.Ile1494Val (NM_001018088.3); c.4351A>G, p.Ile1451Val (NM_017684.5, NM_018080.4); short protein forms I1451V, I1494V.
Identifiers: ClinVar variation 3358365 (VCV003358365.1).

ClinVar aggregate classification (germline): Uncertain significance (0 of 4 stars; one submission).

Conditions:
VPS13C-related disorder. Also called: VPS13C-related condition.

gnomAD v4.1: 18 of 1,601,846 alleles (0.0011%); highest among the groups gnomAD compares: African/African-American, 0.0027%; no homozygotes.

Submission:

PreventionGenetics, part of Exact Sciences
Classification: Uncertain significance for VPS13C-related condition. Last evaluated: 2024-04-01. Review status: no assertion criteria provided. Collection method: clinical testing. Allele origin: germline.
Comment: The VPS13C c.4480A>G variant is predicted to result in the amino acid substitution p.Ile1494Val. To our knowledge, this variant has not been reported in the literature. This variant is reported in 0.0042% of alleles in individuals of African descent in gnomAD. At this time, the clinical significance of this variant is uncertain due to the absence of conclusive functional and genetic evidence.